The following is an entry in ClinVar:

ClinVar aggregate classification (germline): Conflicting classifications of pathogenicity. Review status: criteria provided, conflicting classifications (1 of 4 stars). 3 submissions from 3 submitters: Uncertain significance (2); Likely benign (1). Last evaluated 2024-06-27.

Conditions:
Platelet-type bleeding disorder 15 (BDPLT15). Also called: MACROTHROMBOCYTOPENIA, AUTOSOMAL DOMINANT, ACTN1-RELATED. Identifiers: Orphanet 140957, MedGen C3554663, MONDO:0014078, OMIM 615193.

Allele frequency attached by ClinVar (database versions not stated): gnomAD 0.00001; ExAC 0.00003.
gnomAD v4.1: 26 of 1,612,866 alleles (0.0016%); highest among the groups gnomAD compares: Middle Eastern, 0.033%; 1 homozygote.

Submissions (3):

Dr.Nikuei Genetic Center
Classification: Likely benign for Platelet-type bleeding disorder 15. Last evaluated: 2024-06-27. Review status: criteria provided, single submitter. Criteria: ACMG Guidelines, 2015. Collection method: clinical testing. Allele origin: germline. Affected: no.

Labcorp Genetics (formerly Invitae), Labcorp
Classification: Uncertain significance. Last evaluated: 2022-07-20. Review status: criteria provided, single submitter. Criteria: Invitae Variant Classification Sherloc (09022015). Collection method: clinical testing. Allele origin: germline.
Comment: This sequence change replaces serine, which is neutral and polar, with alanine, which is neutral and non-polar, at codon 43 of the ACTN1 protein (p.Ser43Ala). This variant is present in population databases (rs769375482, gnomAD 0.02%). This variant has not been reported in the literature in individuals affected with ACTN1-related conditions. Algorithms developed to predict the effect of missense changes on protein structure and function are either unavailable or do not agree on the potential impact of this missense change (SIFT: "Deleterious"; PolyPhen-2: "Probably Damaging"; Align-GVGD: "Class C0"). In summary, the available evidence is currently insufficient to determine the role of this variant in disease. Therefore, it has been classified as a Variant of Uncertain Significance.

Blueprint Genetics
Classification: Uncertain significance. Last evaluated: 2020-01-24. Review status: criteria provided, single submitter. Criteria: ACMG Guidelines, 2015. Collection method: clinical testing. Allele origin: germline.

NM_001130004.2(ACTN1):c.127T>G (p.Ser43Ala)

Gene: ACTN1 (actinin alpha 1; minus strand). Cytogenetic location: 14q24.1.
Variant type: single nucleotide variant.
Coding change: c.127T>G on transcript NM_001130004.2 (MANE Select); coding-DNA position 127, T replaced by G.
Protein change: p.Ser43Ala; replaces serine 43 with alanine.
Molecular consequence: missense variant.
Genome position (GRCh38, 1-based): chr14:68,925,651, A>C on the plus strand (T>G on the coding strand, the complement: ACTN1 is on the minus strand). VCF-style: chr14-68925651-A-C. GRCh37 (hg19) VCF-style: chr14-69392368-A-C.
Other names: c.127T>G, p.Ser43Ala (NM_001102.4, NM_001130005.2, NM_001411035.1); c.-69T>G (NM_001411036.1); short protein forms S43A.
Identifiers: ClinVar variation 1957245 (VCV001957245.7), dbSNP rs769375482, ClinGen allele CA7242799.
Genomic context (GRCh38, chr14:68,925,651, plus strand): 5'-GGCCATCCCGGAAGTCCTCTTCGATGTTCTCGATCTGTGTCCCCGCCTTCCGGAGGTGGG[A>C]GTTACACCATGCCGTGAATGTCTGGGCAGAGACAAGAAGGGCAAGTGGTCAGGGGGCTGG-3'
Protein context (NP_001123476.1, residues 33-53): QRKTFTAWCN[Ser43Ala]HLRKAGTQIE